The following is an entry in ClinVar:

ClinVar aggregate classification (germline): Uncertain significance (1 of 4 stars; one submission).

gnomAD v4.1: 1 of 1,563,398 alleles (0.000064%); no homozygotes.

Submission:

Labcorp Genetics (formerly Invitae), Labcorp
Classification: Uncertain significance. Last evaluated: 2023-01-15. Review status: criteria provided, single submitter. Criteria: Invitae Variant Classification Sherloc (09022015). Collection method: clinical testing. Allele origin: germline.
Comment: In summary, the available evidence is currently insufficient to determine the role of this variant in disease. Therefore, it has been classified as a Variant of Uncertain Significance. Advanced modeling of protein sequence and biophysical properties (such as structural, functional, and spatial information, amino acid conservation, physicochemical variation, residue mobility, and thermodynamic stability) performed at Invitae indicates that this missense variant is not expected to disrupt GUCY2C protein function. This variant has not been reported in the literature in individuals affected with GUCY2C-related conditions. This variant is not present in population databases (gnomAD no frequency). This sequence change replaces asparagine, which is neutral and polar, with serine, which is neutral and polar, at codon 574 of the GUCY2C protein (p.Asn574Ser).

NM_004963.4(GUCY2C):c.1721A>G (p.Asn574Ser)

Gene: GUCY2C (guanylate cyclase 2C; minus strand). Cytogenetic location: 12p12.3.
Variant type: single nucleotide variant.
Coding change: c.1721A>G on transcript NM_004963.4 (MANE Select); coding-DNA position 1721, A replaced by G.
Protein change: p.Asn574Ser; replaces asparagine 574 with serine.
Molecular consequence: missense variant.
Genome position (GRCh38, 1-based): chr12:14,645,305, T>C on the plus strand (A>G on the coding strand, the complement: GUCY2C is on the minus strand). VCF-style: chr12-14645305-T-C. GRCh37 (hg19) VCF-style: chr12-14798239-T-C.
Other names: short protein forms N574S.
Identifiers: ClinVar variation 2779955 (VCV002779955.3), dbSNP rs2137027524, ClinGen allele CA383987058.